The following is an entry in ClinVar:

NM_000051.4(ATM):c.2036G>C (p.Gly679Ala)

Gene: ATM (ATM serine/threonine kinase; plus strand). Cytogenetic location: 11q22.3.
Variant type: single nucleotide variant.
Coding change: c.2036G>C on transcript NM_000051.4 (MANE Select); coding-DNA position 2036, G replaced by C.
Protein change: p.Gly679Ala; replaces glycine 679 with alanine.
Molecular consequence: missense variant.
Genome position (GRCh38, 1-based): chr11:108,253,951, G>C. VCF-style: chr11-108253951-G-C. GRCh37 (hg19) VCF-style: chr11-108124678-G-C.
Other names: c.2036G>C, p.Gly679Ala (NM_001351834.2); short protein forms G679A.
Identifiers: ClinVar variation 418702 (VCV000418702.24), dbSNP rs544123518, ClinGen allele CA16619132.

ClinVar aggregate classification (germline): Uncertain significance. Review status: criteria provided, multiple submitters, no conflicts (2 of 4 stars). 6 submissions from 6 submitters: Uncertain significance (6). Last evaluated 2025-12-11.

Conditions:
Hereditary cancer-predisposing syndrome. Also called: Tumor predisposition; Neoplastic Syndromes, Hereditary; Hereditary Cancer Syndrome; Hereditary neoplastic syndrome. Identifiers: Orphanet 140162, MedGen C0027672, MeSH D009386, MONDO:0015356.
Ataxia-telangiectasia syndrome (AT). Also called: Ataxia-telangiectasia; Cerebello-oculocutaneous telangiectasia; Immunodeficiency with ataxia telangiectasia; ATAXIA-TELANGIECTASIA, COMPLEMENTATION GROUP A; ATAXIA-TELANGIECTASIA, FRESNO VARIANT; Ataxia-telangiectasia, complementation group D. Identifiers: Orphanet 100, MedGen C0004135, MONDO:0008840, OMIM 208900.

Allele frequency attached by ClinVar (database versions not stated): gnomAD 0.00002.
gnomAD v4.1: 3 of 1,613,936 alleles (0.00019%); highest among the groups gnomAD compares: African/African-American, 0.004%; no homozygotes.

Submissions (6):

Ambry Genetics
Classification: Uncertain significance for Hereditary cancer-predisposing syndrome. Last evaluated: 2025-12-11. Review status: criteria provided, single submitter. Criteria: Ambry Variant Classification Scheme 2023. Collection method: clinical testing. Allele origin: germline.
Comment: The p.G679A variant (also known as c.2036G>C), located in coding exon 12 of the ATM gene, results from a G to C substitution at nucleotide position 2036. The glycine at codon 679 is replaced by alanine, an amino acid with similar properties. In an assay testing ATM function, this variant showed a functionally normal result (Lee KS et al. Cell, 2025 Sep;188:5081-5099.e27). This amino acid position is not well conserved in available vertebrate species. In addition, this alteration is predicted to be tolerated by in silico analysis. Based on the available evidence, the clinical significance of this variant remains unclear.

GeneDx
Classification: Uncertain significance. Last evaluated: 2024-10-16. Review status: criteria provided, single submitter. Criteria: GeneDx Variant Classification Process June 2021. Collection method: clinical testing. Allele origin: germline. Affected: yes.
Comment: In silico analysis indicates that this missense variant does not alter protein structure/function; In silico analysis suggests this variant may impact gene splicing. In the absence of RNA/functional studies, the actual effect of this sequence change is unknown.; Has not been previously published as pathogenic or benign to our knowledge

Labcorp Genetics (formerly Invitae), Labcorp
Classification: Uncertain significance for Ataxia-telangiectasia syndrome. Last evaluated: 2024-04-09. Review status: criteria provided, single submitter. Criteria: Invitae Variant Classification Sherloc (09022015). Collection method: clinical testing. Allele origin: germline.
Comment: This sequence change replaces glycine, which is neutral and non-polar, with alanine, which is neutral and non-polar, at codon 679 of the ATM protein (p.Gly679Ala). This variant is present in population databases (no rsID available, gnomAD 0.02%). This variant has not been reported in the literature in individuals affected with ATM-related conditions. ClinVar contains an entry for this variant (Variation ID: 418702). An algorithm developed to predict the effect of missense changes on protein structure and function (PolyPhen-2) suggests that this variant is likely to be tolerated. In summary, the available evidence is currently insufficient to determine the role of this variant in disease. Therefore, it has been classified as a Variant of Uncertain Significance.

Women's Health and Genetics/Laboratory Corporation of America, LabCorp
Classification: Uncertain significance. Last evaluated: 2024-03-14. Review status: criteria provided, single submitter. Criteria: LabCorp Variant Classification Summary - May 2015. Collection method: clinical testing. Allele origin: germline.

Color Diagnostics, LLC DBA Color Health
Classification: Uncertain significance for Hereditary cancer-predisposing syndrome. Last evaluated: 2023-12-05. Review status: criteria provided, single submitter. Criteria: ACMG Guidelines, 2015. Collection method: clinical testing. Allele origin: germline.
Comment: This missense variant replaces glycine with alanine at codon 679 of the ATM protein. Computational prediction suggests that this variant may not impact protein structure and function (internally defined REVEL score threshold <= 0.5, PMID: 27666373). To our knowledge, functional studies have not been reported for this variant. This variant has not been reported in individuals affected with ATM-related disorders in the literature. This variant has been identified in 2/31392 chromosomes in the general population by the Genome Aggregation Database (gnomAD). The available evidence is insufficient to determine the role of this variant in disease conclusively. Therefore, this variant is classified as a Variant of Uncertain Significance.

Baylor Genetics
Classification: Uncertain significance for Ataxia-telangiectasia syndrome. Last evaluated: 2019-04-15. Review status: criteria provided, single submitter. Criteria: ACMG Guidelines, 2015. Collection method: clinical testing. Allele origin: unknown. Affected: yes. Study: CSER-TexasKidsCanSeq.
Comment: This variant was determined to be of uncertain significance according to ACMG Guidelines, 2015 [PMID:25741868].

Literature cited by the submitters: PubMed 40580951 (cited by Ambry Genetics).